The following is an entry in ClinVar:

ClinVar aggregate classification (germline): Benign/Likely benign. Review status: criteria provided, multiple submitters, no conflicts (2 of 4 stars). 16 submissions from 16 submitters: Benign (4); Likely benign (8). 4 of the submissions do not count toward it. Last evaluated 2026-01-27.

Conditions:
Breast-ovarian cancer, familial, susceptibility to, 1 (BROVCA1). Also called: BRCA1 Hereditary Breast and Ovarian Cancer; OVARIAN CANCER, SUSCEPTIBILITY TO. Identifiers: Orphanet 145, MedGen C2676676, MONDO:0011450, OMIM 604370. Disease mechanism: loss of function.
Hereditary cancer-predisposing syndrome. Also called: Tumor predisposition; Hereditary Cancer Syndrome; Neoplastic Syndromes, Hereditary; Hereditary neoplastic syndrome. Identifiers: Orphanet 140162, MedGen C0027672, MeSH D009386, MONDO:0015356.
Hereditary breast ovarian cancer syndrome. Also called: Breast and ovarian cancer; Hereditary breast and ovarian cancer; Hereditary breast and ovarian cancer syndrome; Hereditary breast and/or ovarian cancer syndrome; BRCA1- and BRCA2-Associated Hereditary Breast and Ovarian Cancer; Hereditary breast and ovarian cancer syndrome (HBOC). Identifiers: Orphanet 145, MedGen C0677776, MeSH D061325, MONDO:0003582. Disease mechanism: loss of function.

Allele frequency attached by ClinVar (database versions not stated): ExAC 0.00003; gnomAD 0.00011 and 0.00012; 1000 Genomes Project 0.00020; gnomAD exomes 0.00007; ESP Exome Variant Server 0.00008.
gnomAD v4.1: 120 of 1,561,146 alleles (0.0077%); highest among the groups gnomAD compares: Middle Eastern, 0.034%; no homozygotes.

Submissions (16):

Labcorp Genetics (formerly Invitae), Labcorp
Classification: Benign for Hereditary breast ovarian cancer syndrome. Last evaluated: 2026-01-27. Review status: criteria provided, single submitter. Criteria: Invitae Variant Classification Sherloc (09022015). Collection method: clinical testing. Allele origin: germline.

Center for Genomic Medicine, Rigshospitalet, Copenhagen University Hospital
Classification: Likely benign. Last evaluated: 2025-03-04. Review status: criteria provided, single submitter. Criteria: ACMG Guidelines, 2015. Collection method: clinical testing. Allele origin: germline.

Molecular Diagnostics Laboratory, Catalan Institute of Oncology
Classification: Likely benign for Hereditary cancer-predisposing syndrome. Last evaluated: 2025-02-20. Review status: criteria provided, single submitter. Criteria: ClinGen BRCA1BRCA2 ACMG Specifications BRCA1 V1.0.0. Collection method: clinical testing. Allele origin: germline.
Comment: BS1_Supporting, BP4, BP7 c.441+18C>T is an intronic variant not very close to a canonical splice site, where the SpliceAI algorithm predicts no significant impact on splicing (BP4, BP7). The variant allele was found in 14/110112 alleles, with a filter allele frequency of 0.0062% at 99% confidence, within the European (non-Finnish) population in the gnomAD v2.1.1 database (non-cancer data set) (BS1_Supporting). To our knowledge, neither relevant clinical data nor well-stablished functional studies have been reported for this variant. In addition, it was also identified in the following databases: BRCA Exchange (Not Yet Reviewed), ClinVar (5x benign, 8x likely benign) and LOVD (2x benign, 4x likely benign, 5x uncertain significance, 1x pathogenic). Based on the currently available information, c.441+18C>T is classified as a likely benign variant according to ClinGen-BRCA1 Guidelines version v1.0.0.

Mayo Clinic Laboratories, Mayo Clinic
Classification: Likely benign. Last evaluated: 2024-11-06. Review status: criteria provided, single submitter. Criteria: ACMG Guidelines, 2015. Collection method: clinical testing. Allele origin: germline. Observed: 3 variant alleles.
Comment: BS1_supporting, BP4, BP7

Blueprint Genetics
Classification: Likely benign. Last evaluated: 2024-09-15. Review status: criteria provided, single submitter. Criteria: ACMG Guidelines, 2015. Collection method: clinical testing. Allele origin: germline.

KCCC/NGS Laboratory, Kuwait Cancer Control Center
Classification: Likely benign for Breast-ovarian cancer, familial, susceptibility to, 1. Last evaluated: 2023-07-07. Review status: criteria provided, single submitter. Criteria: ACMG Guidelines, 2015. Collection method: clinical testing. Allele origin: germline. Affected: yes.

Women's Health and Genetics/Laboratory Corporation of America, LabCorp
Classification: Benign. Last evaluated: 2019-09-23. Review status: criteria provided, single submitter. Criteria: LabCorp Variant Classification Summary - May 2015. Collection method: clinical testing. Allele origin: germline.
Comment: Variant summary: BRCA1 c.441+18C>T alters a non-conserved nucleotide located close to a canonical splice site and therefore could affect mRNA splicing, leading to a significantly altered protein sequence. 2/2 computational tools predict no significant impact on normal splicing, and these predictions were confirmed by an mRNA transcript analysis (Houdayer 2012). The variant allele was found at a frequency of 8.1e-05 in 258156 control chromosomes (gnomAD). This frequency is not higher than the expected maximum for a pathogenic variant in BRCA1 causing Hereditary Breast and Ovarian Cancer (8.1e-05 vs 0.001), allowing no conclusion about variant significance. To our knowledge, no occurrence of c.441+18C>T in individuals affected with Hereditary Breast and Ovarian Cancer has been reported. Four other clinical diagnostic laboratories have submitted clinical-significance assessments for this variant to ClinVar after 2014 without evidence for independent evaluation, and classified the variant as benign (1x) / likely benign (3x). Based on the evidence outlined above, the variant was classified as benign.

Mendelics
Classification: Likely benign for Breast-ovarian cancer, familial, susceptibility to, 1. Last evaluated: 2019-05-28. Review status: criteria provided, single submitter. Criteria: Mendelics Assertion Criteria 2017. Collection method: clinical testing. Allele origin: unknown.

ARUP Laboratories, Molecular Genetics and Genomics, ARUP Laboratories
Classification: Benign. Last evaluated: 2018-07-24. Review status: criteria provided, single submitter. Criteria: ARUP Molecular Germline Variant Investigation Process. Collection method: clinical testing. Allele origin: germline.

PreventionGenetics, part of Exact Sciences
Classification: Likely benign. Last evaluated: 2017-03-27. Review status: criteria provided, single submitter. Criteria: ACMG Guidelines, 2015. Collection method: clinical testing. Allele origin: germline.

Color Diagnostics, LLC DBA Color Health
Classification: Likely benign for Hereditary cancer-predisposing syndrome. Last evaluated: 2016-06-23. Review status: criteria provided, single submitter. Criteria: ACMG Guidelines, 2015. Collection method: clinical testing. Allele origin: germline.

GeneDx
Classification: Benign. Last evaluated: 2015-03-03. Review status: criteria provided, single submitter. Criteria: GeneDx Variant Classification Process June 2021. Collection method: clinical testing. Allele origin: germline. Affected: yes.

Counsyl
Classification: Likely benign for Breast-ovarian cancer, familial, susceptibility to, 1. Last evaluated: 2016-07-28. Review status: no assertion criteria provided. Collection method: clinical testing. Allele origin: unknown. Not counted in ClinVar's aggregate classification.

Clinical Genetics DNA and cytogenetics Diagnostics Lab, Erasmus MC, Erasmus Medical Center
Classification: Benign. Review status: no assertion criteria provided. Collection method: clinical testing. Allele origin: germline. Affected: yes. Study: VKGL Data-share Consensus. Not counted in ClinVar's aggregate classification.

Diagnostic Laboratory, Department of Genetics, University Medical Center Groningen
Classification: Likely benign for Breast-ovarian cancer, familial, susceptibility to, 1. Review status: no assertion criteria provided. Collection method: clinical testing. Allele origin: germline. Affected: yes. Study: VKGL Data-share Consensus. Not counted in ClinVar's aggregate classification.

Genome Diagnostics Laboratory, University Medical Center Utrecht
Classification: Likely benign. Review status: no assertion criteria provided. Collection method: clinical testing. Allele origin: germline. Affected: yes. Study: VKGL Data-share Consensus. Not counted in ClinVar's aggregate classification.

Literature cited by the submitters: PubMed 22505045 (cited by Women's Health and Genetics/Laboratory Corporation of America, LabCorp).

NM_007294.4(BRCA1):c.441+18C>T

Gene: BRCA1 (BRCA1 DNA repair associated; minus strand). Cytogenetic location: 17q21.31.
Variant type: single nucleotide variant.
Coding change: c.441+18C>T on transcript NM_007294.4 (MANE Select); 18 bases into the intron after coding-DNA position 441, C replaced by T.
Molecular consequence: intron variant.
Genome position (GRCh38, 1-based): chr17:43,104,104, G>A on the plus strand (C>T on the coding strand, the complement: BRCA1 is on the minus strand). VCF-style: chr17-43104104-G-A. GRCh37 (hg19) VCF-style: chr17-41256121-G-A.
Other names: p.?; c.441+18C>T (NM_007300.3, NM_001408445.1, NM_001408432.1 and 165 more transcripts); c.231+18C>T (NM_001407951.1, NM_001407946.1, NM_001408489.1 and 58 more transcripts); c.432+18C>T (NM_001407646.1, NM_001408408.1, NM_001407647.1); c.60+18C>T (NM_001407965.1, NM_001407959.1, NM_001407962.1 and 4 more transcripts); c.300+18C>T (NM_001407930.1, NM_001407843.1, NM_001408456.1 and 99 more transcripts); c.363+18C>T (NM_001407874.1, NM_001408416.1, NM_001408414.1 and 21 more transcripts); c.-218-9244C>T (NM_001407967.1, NM_001407966.1); and 1 more.
Identifiers: ClinVar variation 215873 (VCV000215873.36), dbSNP rs371973519, ClinGen allele CA335767.